The following is an entry in ClinVar:

NM_000552.5(VWF):c.4641T>C (p.Thr1547=)

Gene: VWF (von Willebrand factor; minus strand). Cytogenetic location: 12p13.31.
Variant type: single nucleotide variant.
Coding change: c.4641T>C on transcript NM_000552.5 (MANE Select); coding-DNA position 4641, T replaced by C.
Protein change: p.Thr1547=; no amino-acid change (threonine 1547 retained).
Molecular consequence: synonymous variant.
Genome position (GRCh38, 1-based): chr12:6,018,777, A>G on the plus strand (T>C on the coding strand, the complement: VWF is on the minus strand). VCF-style: chr12-6018777-A-G. GRCh37 (hg19) VCF-style: chr12-6127943-A-G.
Other names: p.Thr1547=.
Identifiers: ClinVar variation 256680 (VCV000256680.34), dbSNP rs216310, ClinGen allele CA6402490.
Genomic context (GRCh38, chr12:6,018,777, plus strand): 5'-CTCTCGCACCCGCTGCAGGATGTCCCCTTTGGACTGTGCCTCGCTGAAGGGGTACTCCAC[A>G]GTCACCATGTAGGAGTACTGCAGCACCGTGACGTGGATGCTGTCCTGGCCCACATCCATC-3'
Protein context (NP_000543.3, residues 1537-1557): VTVLQYSYMV[Thr1547=]VEYPFSEAQS

ClinVar aggregate classification (germline): Benign/Likely benign. Review status: criteria provided, multiple submitters, no conflicts (2 of 4 stars). 16 submissions from 14 submitters: Benign (10); Likely benign (3). 3 of the submissions do not count toward it. Last evaluated 2026-05-11.

Conditions:
von Willebrand disease type 2 (VWD2). Also called: VON WILLEBRAND DISEASE, TYPE 2A/IIE; VON WILLEBRAND DISEASE, TYPE 2CB; VON WILLEBRAND DISEASE, TYPE II; VWD, TYPE 2. Identifiers: Orphanet 166081, Orphanet 903, MedGen C1264040, MONDO:0013304, OMIM 613554.
von Willebrand disease type 1 (VWD1). Also called: VON WILLEBRAND DISEASE, TYPE I; VWD, TYPE 1. Identifiers: Orphanet 166078, Orphanet 903, MedGen C1264039, MONDO:0008668, OMIM 193400. Inheritance: autosomal recessive or autosomal dominant.
von Willebrand disease type 3 (VWD3). Also called: Type 3 Von Willebrand's disease; Type 3 VWD; Von Willebrand disease, severe form; V WD3; VON WILLEBRAND DISEASE, TYPE III. Identifiers: Orphanet 166096, MedGen C1264041, MONDO:0010191, OMIM 277480.

Allele frequency attached by ClinVar (database versions not stated): gnomAD exomes 0.63819 and 0.68890; ExAC 0.68522; gnomAD 0.71518 and 0.71567; TOPMed 0.73946; 1000 Genomes Project 0.77656; 1000 Genomes Project 30x 0.77873.
gnomAD v4.1: 1,035,593 of 1,601,608 alleles (65%); highest among the groups gnomAD compares: African/African-American, 90%; 341,539 homozygotes.

Submissions (16):

Women's Health and Genetics/Laboratory Corporation of America, LabCorp
Classification: Benign. Last evaluated: 2026-05-11. Review status: criteria provided, single submitter. Criteria: LabCorp Variant Classification Summary - May 2015. Collection method: clinical testing. Allele origin: germline.

ARUP Laboratories, Molecular Genetics and Genomics, ARUP Laboratories
Classification: Benign. Last evaluated: 2025-07-31. Review status: criteria provided, single submitter. Criteria: ARUP Molecular Germline Variant Investigation Process 2024. Collection method: clinical testing. Allele origin: germline.

Blueprint Genetics
Classification: Likely benign. Last evaluated: 2024-11-27. Review status: criteria provided, single submitter. Criteria: ACMG Guidelines, 2015. Collection method: clinical testing. Allele origin: germline.

Mayo Clinic Laboratories, Mayo Clinic
Classification: Benign. Last evaluated: 2022-09-06. Review status: criteria provided, single submitter. Criteria: ACMG Guidelines, 2015. Collection method: clinical testing. Allele origin: germline. Observed: 743 variant alleles.

Genome-Nilou Lab
Classification: Benign for von Willebrand disease type 1. Last evaluated: 2021-12-05. Review status: criteria provided, single submitter. Criteria: ACMG Guidelines, 2015. Collection method: clinical testing. Allele origin: germline. Affected: no.

Genome-Nilou Lab
Classification: Benign for von Willebrand disease type 3. Last evaluated: 2021-12-05. Review status: criteria provided, single submitter. Criteria: ACMG Guidelines, 2015. Collection method: clinical testing. Allele origin: germline. Affected: no.

Genome-Nilou Lab
Classification: Benign for von Willebrand disease type 2. Last evaluated: 2021-12-05. Review status: criteria provided, single submitter. Criteria: ACMG Guidelines, 2015. Collection method: clinical testing. Allele origin: germline. Affected: no.

Laboratory for Molecular Medicine, Mass General Brigham Personalized Medicine
Classification: Benign. Last evaluated: 2020-07-03. Review status: criteria provided, single submitter. Criteria: LMM Criteria. Collection method: clinical testing. Allele origin: germline. Observed: 1 variant allele.
Comment: The p.Thr1547Thr variant in VWF is classified as benign because it does not alter an amino acid residue, is not located within the splice consensus site, and computational splice prediction tools do not predict an impact on splicing. It has been identified in 90% (22058/24566) of African chromosomes by gnomAD. ACMG/AMP Criteria applied: BA1, BP4, BP7.

Quest Diagnostics Nichols Institute San Juan Capistrano
Classification: Benign. Last evaluated: 2018-04-10. Review status: criteria provided, single submitter. Criteria: Quest Diagnostics criteria. Collection method: clinical testing. Allele origin: germline.

Labcorp Genetics (formerly Invitae), Labcorp
Classification: Likely benign. Last evaluated: 2017-05-17. Review status: criteria provided, single submitter. Criteria: Invitae Variant Classification Sherloc (09022015). Collection method: clinical testing. Allele origin: germline.

GeneDx
Classification: Benign. Last evaluated: 2015-03-03. Review status: criteria provided, single submitter. Criteria: GeneDx Variant Classification Process June 2021. Collection method: clinical testing. Allele origin: germline. Affected: yes.

Breakthrough Genomics
Classification: Likely benign. Review status: criteria provided, single submitter. Criteria: ACMG Guidelines, 2015. Collection method: not provided. Allele origin: germline. Inheritance: Autosomal recessive inheritance. Affected: yes.

PreventionGenetics, part of Exact Sciences
Classification: Benign. Review status: criteria provided, single submitter. Criteria: ACMG Guidelines, 2015. Collection method: clinical testing. Allele origin: germline.

Department of Pathology and Laboratory Medicine, Sinai Health System
Classification: Uncertain significance. Review status: no assertion criteria provided. Collection method: clinical testing. Allele origin: unknown. Affected: yes. Study: The Canadian Open Genetics Repository (COGR). Not counted in ClinVar's aggregate classification.
Comment: Allele frequency is common in at least one population database (frequency: 90.157% in gnomAD_Exomes) based on the frequency threshold of 0.5% for this gene. Variant was observed in a homozygous state in population databases more than expected for disease. A synonymous variant not located in a splice region.

Diagnostic Laboratory, Department of Genetics, University Medical Center Groningen
Classification: Benign. Review status: no assertion criteria provided. Collection method: clinical testing. Allele origin: germline. Affected: yes. Study: VKGL Data-share Consensus. Not counted in ClinVar's aggregate classification.

Joint Genome Diagnostic Labs from Nijmegen and Maastricht, Radboudumc and MUMC+
Classification: Benign. Review status: no assertion criteria provided. Collection method: clinical testing. Allele origin: germline. Affected: yes. Study: VKGL Data-share Consensus. Not counted in ClinVar's aggregate classification.